The following is an entry in ClinVar:

ClinVar aggregate classification (germline): Benign/Likely benign. Review status: criteria provided, multiple submitters, no conflicts (2 of 4 stars). 10 submissions from 8 submitters: Benign (5); Likely benign (5). Last evaluated 2024-11-26.

Conditions:
Pheochromocytoma/paraganglioma syndrome 5. Also called: Paragangliomas 5; SDHA-Related Hereditary Paraganglioma-Pheochromocytoma Syndrome. Identifiers: Orphanet 29072, MedGen C3279992, MONDO:0013602, OMIM 614165.
Hereditary pheochromocytoma and paraganglioma. Also called: Hereditary Paraganglioma-Pheochromocytoma Syndromes; Hereditary paragangliomas and pheochromocytomas; Hereditary pheochromocytoma-paraganglioma. Identifiers: Orphanet 29072, MedGen C4274332, MONDO:0017366.
Mitochondrial complex II deficiency, nuclear type 1. Also called: SUCCINATE CoQ REDUCTASE DEFICIENCY. Identifiers: Orphanet 3208, MedGen C5700310, MONDO:0100294, OMIM 252011.
Hereditary cancer-predisposing syndrome. Also called: Tumor predisposition; Hereditary neoplastic syndrome; Hereditary Cancer Syndrome; Neoplastic Syndromes, Hereditary. Identifiers: Orphanet 140162, MedGen C0027672, MeSH D009386, MONDO:0015356.
Leigh syndrome (NULS). Also called: Leigh Syndrome (mtDNA deletion); Leigh Disease; Subacute necrotizing encephalopathy; Necrotizing encephalopathy infantile subacute of Leigh; LEIGH SYNDROME, NUCLEAR; Leigh's syndrome. Identifiers: Orphanet 506, MedGen C2931891, MONDO:0009723, OMIM 256000.

Allele frequency attached by ClinVar (database versions not stated): 1000 Genomes Project 30x 0.03545; 1000 Genomes Project 0.03554; ExAC 0.06791; TOPMed 0.07463; gnomAD exomes 0.07832 and 0.10839; gnomAD 0.07899 and 0.08152.
gnomAD v4.1: 162,081 of 1,540,732 alleles (11%); highest among the groups gnomAD compares: Non-Finnish European, 12%; 9,916 homozygotes.

Submissions (10):

Blueprint Genetics
Classification: Likely benign. Last evaluated: 2024-11-26. Review status: criteria provided, single submitter. Criteria: ACMG Guidelines, 2015. Collection method: clinical testing. Allele origin: germline.

KCCC/NGS Laboratory, Kuwait Cancer Control Center
Classification: Benign for Pheochromocytoma/paraganglioma syndrome 5. Last evaluated: 2023-07-07. Review status: criteria provided, single submitter. Criteria: ACMG Guidelines, 2015. Collection method: clinical testing. Allele origin: germline. Affected: yes.

ARUP Laboratories, Molecular Genetics and Genomics, ARUP Laboratories
Classification: Benign. Last evaluated: 2019-10-31. Review status: criteria provided, single submitter. Criteria: ARUP Molecular Germline Variant Investigation Process. Collection method: clinical testing. Allele origin: germline.

Illumina Laboratory Services, Illumina
Classification: Likely benign for Mitochondrial complex II deficiency, nuclear type 1. Last evaluated: 2017-04-27. Review status: criteria provided, single submitter. Criteria: ICSL Variant Classification Criteria 13 December 2019. Collection method: clinical testing. Allele origin: germline.
Comment: This variant was observed as part of a predisposition screen in an ostensibly healthy population. A literature search was performed for the gene, cDNA change, and amino acid change (where applicable). No publications were found based on this search. Allele frequency data from public databases allowed determination this variant is unlikely to cause disease. Therefore, this variant is classified as likely benign.

Illumina Laboratory Services, Illumina
Classification: Likely benign for Hereditary Paraganglioma-Pheochromocytoma Syndromes. Last evaluated: 2017-04-27. Review status: criteria provided, single submitter. Criteria: ICSL Variant Classification Criteria 13 December 2019. Collection method: clinical testing. Allele origin: germline.
Comment: the same text as in the submission from Illumina Laboratory Services, Illumina above.

Illumina Laboratory Services, Illumina
Classification: Likely benign for Leigh syndrome. Last evaluated: 2017-04-27. Review status: criteria provided, single submitter. Criteria: ICSL Variant Classification Criteria 13 December 2019. Collection method: clinical testing. Allele origin: germline.
Comment: the same text as in the submission from Illumina Laboratory Services, Illumina above.

GeneDx
Classification: Benign. Last evaluated: 2015-12-02. Review status: criteria provided, single submitter. Criteria: GeneDx Variant Classification (06012015). Collection method: clinical testing. Allele origin: germline. Affected: yes.
Comment: This variant is considered likely benign or benign based on one or more of the following criteria: it is a conservative change, it occurs at a poorly conserved position in the protein, it is predicted to be benign by multiple in silico algorithms, and/or has population frequency not consistent with disease.

Ambry Genetics
Classification: Benign for Hereditary cancer-predisposing syndrome. Last evaluated: 2015-05-14. Review status: criteria provided, single submitter. Criteria: Ambry Variant Classification Scheme 2023. Collection method: clinical testing. Allele origin: germline.

Breakthrough Genomics
Classification: Likely benign. Review status: criteria provided, single submitter. Criteria: ACMG Guidelines, 2015. Collection method: not provided. Allele origin: germline. Inheritance: Autosomal recessive inheritance. Affected: yes.

PreventionGenetics, part of Exact Sciences
Classification: Benign. Review status: criteria provided, single submitter. Criteria: ACMG Guidelines, 2015. Collection method: clinical testing. Allele origin: germline.

NM_004168.4(SDHA):c.1908+15C>T

Gene: SDHA (succinate dehydrogenase complex flavoprotein subunit A; plus strand). Cytogenetic location: 5p15.33.
Variant type: single nucleotide variant.
Coding change: c.1908+15C>T on transcript NM_004168.4 (MANE Select); 15 bases into the intron after coding-DNA position 1908, C replaced by T.
Molecular consequence: intron variant.
Genome position (GRCh38, 1-based): chr5:254,521, C>T. VCF-style: chr5-254521-C-T. GRCh37 (hg19) VCF-style: chr5-254636-C-T.
Other names: c.1908+15C>T (NM_004168.3); c.1665+15C>T (NM_001330758.2); c.1764+15C>T (NM_001294332.2).
Identifiers: ClinVar variation 259245 (VCV000259245.17), dbSNP rs34504623, ClinGen allele CA3173444.
Genomic context (GRCh38, chr5:254,521, plus strand): 5'-CTGGAGGAAGCACACCCTGTCCTATGTGGACGTTGGCACTGGGAAGGTCAGTGTGGAGCT[C>T]GTTCTCACCACAGCCCAGCACCCACACGGCCCCGCCCAGGCCTGCGGGCTGGCCTTGCTG-3'